The following is an entry in ClinVar:

NM_014363.6(SACS):c.*821A>G

Gene: SACS (sacsin molecular chaperone; minus strand). Cytogenetic location: 13q12.12.
Variant type: single nucleotide variant.
Coding change: c.*821A>G on transcript NM_014363.6 (MANE Select); 821 bases downstream of the stop codon, A replaced by G.
Molecular consequence: 3 prime UTR variant.
Genome position (GRCh38, 1-based): chr13:23,329,315, T>C on the plus strand (A>G on the coding strand, the complement: SACS is on the minus strand). VCF-style: chr13-23329315-T-C. GRCh37 (hg19) VCF-style: chr13-23903454-T-C.
Other names: c.*821A>G (NM_001278055.2).
Identifiers: ClinVar variation 883868 (VCV000883868.32), dbSNP rs145184122, ClinGen allele CA246646828.

ClinVar aggregate classification (germline): Conflicting classifications of pathogenicity. Review status: criteria provided, conflicting classifications (1 of 4 stars). 3 submissions from 3 submitters: Uncertain significance (2); Likely benign (1). Last evaluated 2026-10-01.

Conditions:
Charlevoix-Saguenay spastic ataxia (SACS). Also called: AUTOSOMAL RECESSIVE SPASTIC ATAXIA OF CHARLEVOIX-SAGUENAY; SPASTIC ATAXIA 6, AUTOSOMAL RECESSIVE; Spastic ataxia of Charlevoix-Saguenay. Identifiers: Orphanet 98, MedGen C1849140, MONDO:0010041, OMIM 270550.
Hereditary spastic paraplegia. Also called: Familial spastic paraparesis. Identifiers: Orphanet 685, MedGen C0037773, MONDO:0019064. Disease mechanism: loss of function.

Allele frequency attached by ClinVar (database versions not stated): 1000 Genomes Project 30x 0.00172; 1000 Genomes Project 0.00180; gnomAD 0.00394 and 0.00401; TOPMed 0.00397; gnomAD exomes 0.00419.
gnomAD v4.1: 2,636 of 639,348 alleles (0.41%); highest among the groups gnomAD compares: Non-Finnish European, 0.6%; 8 homozygotes.

Submissions (3):

CeGaT Center for Human Genetics Tuebingen
Classification: Likely benign. Last evaluated: 2026-10-01. Review status: criteria provided, single submitter. Criteria: CeGaT Center For Human Genetics Tuebingen Variant Classification Criteria Version 2. Collection method: clinical testing. Allele origin: germline. Affected: yes. Observed: 16 variant alleles.
Comment: SACS: BS2

Illumina Laboratory Services, Illumina
Classification: Uncertain significance for Charlevoix-Saguenay spastic ataxia. Last evaluated: 2018-01-12. Review status: criteria provided, single submitter. Criteria: ICSL Variant Classification Criteria 13 December 2019. Collection method: clinical testing. Allele origin: germline.

Genome Diagnostics Laboratory, The Hospital for Sick Children
Classification: Uncertain significance for Hereditary spastic paraplegia. Last evaluated: 2017-01-27. Review status: criteria provided, single submitter. Criteria: ACMG Guidelines, 2015. Collection method: clinical testing. Allele origin: germline. Affected: yes.